The following is an entry in ClinVar:

GRCh37/hg19 4p16.3(chr4:68346-2948917)x1

Genes: ADD1 (adducin 1; plus strand), ATP5ME (ATP synthase membrane subunit e; minus strand), CPLX1 (complexin 1; minus strand), CRIPAK (cysteine rich PAK1 inhibitor; plus strand), CTBP1 (C-terminal binding protein 1; minus strand) and 41 more. Cytogenetic location: 4p16.3.
Variant type: copy number loss.
Change: copy number 1 (one copy instead of two) of chr4:68,346-2,948,917 (2.88 Mb, GRCh37 coordinates, 1-based), cytogenetic band 4p16.3.
Identifiers: ClinVar variation 3391882 (VCV003391882.1).

ClinVar aggregate classification (germline): Pathogenic (1 of 4 stars; one submission).

Submission:

Quest Diagnostics Nichols Institute San Juan Capistrano
Classification: Pathogenic. Last evaluated: 2024-06-27. Review status: criteria provided, single submitter. Criteria: ACMG/ClinGen CNV Guidelines, 2019. Collection method: clinical testing. Allele origin: unknown.
Comment: This terminal deletion of 4p overlaps the Wolf-Hirschhorn syndromic region (ISCA-37429; OMIM 194190; Battaglia 2015, Paradowska-Stolarz 2014). Thus, this CNV is classified as pathogenic. References: Battaglia et al., Am J Med Genet C Semin Med Genet. 2015 Sep;169(3):216-23. PMID: 26239400; Paradowska-Stolarz, Adv Clin Exp Med. 2014 May-Jun;23(3):485-9. PMID: 24979523